The following is an entry in ClinVar:

NM_002180.3(IGHMBP2):c.2755C>A (p.Arg919Ser)

Gene: IGHMBP2 (immunoglobulin mu DNA binding protein 2; plus strand). Cytogenetic location: 11q13.3.
Variant type: single nucleotide variant.
Coding change: c.2755C>A on transcript NM_002180.3 (MANE Select); coding-DNA position 2755, C replaced by A.
Protein change: p.Arg919Ser; replaces arginine 919 with serine.
Molecular consequence: missense variant.
Genome position (GRCh38, 1-based): chr11:68,938,325, C>A. VCF-style: chr11-68938325-C-A. GRCh37 (hg19) VCF-style: chr11-68705793-C-A.
Other names: p.Arg919Ser; short protein forms R919S.
Identifiers: ClinVar variation 305861 (VCV000305861.18), dbSNP rs145945230, ClinGen allele CA6153997.
Genomic context (GRCh38, chr11:68,938,325, plus strand): 5'-TTTGCCAAGTGCACAGCCGGCGTCACAACCCTGGGCCAGTTCTGCCAGCTCTGCAGCCGC[C>A]GCTACTGCCTCAGCCACCACCTGCCCGAGGTATGTCGGCCTCCCCTCCTGCGATCAAACA-3'
Protein context (NP_002171.2, residues 909-929): LGQFCQLCSR[Arg919Ser]YCLSHHLPEI

ClinVar aggregate classification (germline): Uncertain significance. Review status: criteria provided, multiple submitters, no conflicts (2 of 4 stars). 7 submissions from 7 submitters: Uncertain significance (7). Last evaluated 2025-01-17.

Conditions:
Charcot-Marie-Tooth disease axonal type 2S. Also called: CHARCOT-MARIE-TOOTH NEUROPATHY, TYPE 2S; CHARCOT-MARIE-TOOTH DISEASE, AXONAL, AUTOSOMAL RECESSIVE, TYPE 2S. Identifiers: Orphanet 443073, MedGen C4015349, MONDO:0014511, OMIM 616155.
Autosomal recessive distal spinal muscular atrophy 1. Also called: NEURONOPATHY, SEVERE INFANTILE AXONAL, WITH RESPIRATORY FAILURE; SEVERE INFANTILE AXONAL NEUROPATHY WITH RESPIRATORY FAILURE; SPINAL MUSCULAR ATROPHY, DIAPHRAGMATIC; Spinal muscular atrophy with respiratory distress 1; HMN VI; NEURONOPATHY, DISTAL HEREDITARY MOTOR, HARDING TYPE VI. Identifiers: Orphanet 98920, MedGen C1858517, MONDO:0011436, OMIM 604320.
Inborn genetic diseases. Identifiers: MedGen C0950123, MeSH D030342.

Allele frequency attached by ClinVar (database versions not stated): TOPMed 0.00014; ESP Exome Variant Server 0.00031.
gnomAD v4.1: 323 of 1,611,756 alleles (0.02%); highest among the groups gnomAD compares: Non-Finnish European, 0.024%; no homozygotes.

Submissions (7):

GeneDx
Classification: Uncertain significance. Last evaluated: 2025-01-17. Review status: criteria provided, single submitter. Criteria: GeneDx Variant Classification Process June 2021. Collection method: clinical testing. Allele origin: germline. Affected: yes.
Comment: Reported previously in a patient with mixed neuropathy phenotypes; however, no further clinical or segregation information was provided and it was not clear if the patient also harbored a second variant (PMID: 26392352); In silico analysis supports that this missense variant has a deleterious effect on protein structure/function; This variant is associated with the following publications: (PMID: 26392352)

Ambry Genetics
Classification: Uncertain significance for Inborn genetic diseases. Last evaluated: 2024-12-11. Review status: criteria provided, single submitter. Criteria: Ambry Variant Classification Scheme 2023. Collection method: clinical testing. Allele origin: germline.

Mayo Clinic Laboratories, Mayo Clinic
Classification: Uncertain significance. Last evaluated: 2024-11-20. Review status: criteria provided, single submitter. Criteria: ACMG Guidelines, 2015. Collection method: clinical testing. Allele origin: germline. Observed: 1 variant allele.

Blueprint Genetics
Classification: Uncertain significance. Last evaluated: 2024-02-27. Review status: criteria provided, single submitter. Criteria: ACMG Guidelines, 2015. Collection method: clinical testing. Allele origin: germline.

Labcorp Genetics (formerly Invitae), Labcorp
Classification: Uncertain significance for Autosomal recessive distal spinal muscular atrophy 1; Charcot-Marie-Tooth disease axonal type 2S. Last evaluated: 2022-05-19. Review status: criteria provided, single submitter. Criteria: Invitae Variant Classification Sherloc (09022015). Collection method: clinical testing. Allele origin: germline.
Comment: This sequence change replaces arginine, which is basic and polar, with serine, which is neutral and polar, at codon 919 of the IGHMBP2 protein (p.Arg919Ser). This variant is present in population databases (rs145945230, gnomAD 0.02%). This variant has not been reported in the literature in individuals affected with IGHMBP2-related conditions. ClinVar contains an entry for this variant (Variation ID: 305861). Advanced modeling of protein sequence and biophysical properties (such as structural, functional, and spatial information, amino acid conservation, physicochemical variation, residue mobility, and thermodynamic stability) performed at Invitae indicates that this missense variant is not expected to disrupt IGHMBP2 protein function. In summary, the available evidence is currently insufficient to determine the role of this variant in disease. Therefore, it has been classified as a Variant of Uncertain Significance.

Revvity Omics, Revvity
Classification: Uncertain significance. Last evaluated: 2019-06-11. Review status: criteria provided, single submitter. Criteria: ACMG Guidelines, 2015. Collection method: clinical testing. Allele origin: germline.

Illumina Laboratory Services, Illumina
Classification: Uncertain significance for Autosomal recessive distal spinal muscular atrophy 1. Last evaluated: 2018-01-13. Review status: criteria provided, single submitter. Criteria: ICSL Variant Classification Criteria 13 December 2019. Collection method: clinical testing. Allele origin: germline.

Literature cited by the submitters: PubMed 26392352 (cited by Ambry Genetics).